The following is an entry in ClinVar:

NM_006261.5(PROP1):c.47G>A (p.Arg16Gln)

Gene: PROP1 (PROP paired-like homeobox 1; minus strand). Cytogenetic location: 5q35.3.
Variant type: single nucleotide variant.
Coding change: c.47G>A on transcript NM_006261.5 (MANE Select); coding-DNA position 47, G replaced by A.
Protein change: p.Arg16Gln; replaces arginine 16 with glutamine.
Molecular consequence: missense variant.
Genome position (GRCh38, 1-based): chr5:177,995,887, C>T on the plus strand (G>A on the coding strand, the complement: PROP1 is on the minus strand). VCF-style: chr5-177995887-C-T. GRCh37 (hg19) VCF-style: chr5-177422888-C-T.
Other names: short protein forms R16Q.
Identifiers: ClinVar variation 2398340 (VCV002398340.2), dbSNP rs372313496, ClinGen allele CA132899387.

ClinVar aggregate classification (germline): Uncertain significance (1 of 4 stars; one submission).

Conditions:
Inborn genetic diseases. Identifiers: MedGen C0950123, MeSH D030342.

Allele frequency attached by ClinVar (database versions not stated): gnomAD exomes 0.00001; TOPMed 0.00003; gnomAD 0.00004; ESP Exome Variant Server 0.00008.
gnomAD v4.1: 14 of 1,613,970 alleles (0.00087%); highest among the groups gnomAD compares: African/African-American, 0.013%; no homozygotes.

Submission:

Ambry Genetics
Classification: Uncertain significance for Inborn genetic diseases. Last evaluated: 2021-01-11. Review status: criteria provided, single submitter. Criteria: Ambry Variant Classification Scheme 2023. Collection method: clinical testing. Allele origin: germline.
Comment: The c.47G>A (p.R16Q) alteration is located in exon 1 (coding exon 1) of the PROP1 gene. This alteration results from a G to A substitution at nucleotide position 47, causing the arginine (R) at amino acid position 16 to be replaced by a glutamine (Q). The p.R16Q alteration is predicted to be tolerated by in silico analysis. Based on insufficient or conflicting evidence, the clinical significance of this alteration remains unclear.